The following is an entry in ClinVar:

NM_001130438.3(SPTAN1):c.3616A>G (p.Asn1206Asp)

Gene: SPTAN1 (spectrin alpha, non-erythrocytic 1; plus strand). Cytogenetic location: 9q34.11.
Variant type: single nucleotide variant.
Coding change: c.3616A>G on transcript NM_001130438.3 (MANE Select); coding-DNA position 3616, A replaced by G.
Protein change: p.Asn1206Asp; replaces asparagine 1206 with aspartic acid.
Molecular consequence: missense variant.
Genome position (GRCh38, 1-based): chr9:128,603,579, A>G. VCF-style: chr9-128603579-A-G. GRCh37 (hg19) VCF-style: chr9-131365858-A-G.
Other names: c.3556A>G, p.Asn1186Asp (NM_001195532.2, NM_001363765.2, NM_001375314.2); c.3616A>G, p.Asn1206Asp (NM_001363759.2, NM_001375310.1, NM_001375311.2 and 2 more transcripts); c.3652A>G, p.Asn1218Asp (NM_001375312.2, NM_001375318.1); short protein forms N1186D, N1206D, N1218D.
Identifiers: ClinVar variation 3362172 (VCV003362172.2).

ClinVar aggregate classification (germline): Uncertain significance (1 of 4 stars; one submission).

Submission:

GeneDx
Classification: Uncertain significance. Last evaluated: 2025-04-14. Review status: criteria provided, single submitter. Criteria: GeneDx Variant Classification Process June 2021. Collection method: clinical testing. Allele origin: germline.
Comment: Not observed at significant frequency in large population cohorts (gnomAD); In silico analysis indicates that this missense variant does not alter protein structure/function; Has not been previously published as pathogenic or benign to our knowledge